The following is an entry in ClinVar:

ClinVar aggregate classification (germline): Uncertain significance (1 of 4 stars; one submission).

Conditions:
Amyotrophic lateral sclerosis type 4 (ALS4). Also called: AMYOTROPHIC LATERAL SCLEROSIS 4, JUVENILE; NEURONOPATHY, DISTAL HEREDITARY MOTOR, WITH PYRAMIDAL FEATURES. Identifiers: Orphanet 357043, MedGen C1865409, MONDO:0011223, OMIM 602433.
Spinocerebellar ataxia, autosomal recessive, with axonal neuropathy 2 (SCAN2). Also called: ATAXIA-OCULOMOTOR APRAXIA 2; Ataxia-ocular apraxia-2; Ataxia with Oculomotor Apraxia Type 2; Ataxia with Oculomotor Apraxia. Identifiers: Orphanet 64753, MedGen C1853761, MONDO:0018996, OMIM 606002.

Allele frequency attached by ClinVar (database versions not stated): TOPMed below 0.00001.

Submission:

Labcorp Genetics (formerly Invitae), Labcorp
Classification: Uncertain significance for Amyotrophic lateral sclerosis type 4; Spinocerebellar ataxia, autosomal recessive, with axonal neuropathy 2. Last evaluated: 2023-08-16. Review status: criteria provided, single submitter. Criteria: Invitae Variant Classification Sherloc (09022015). Collection method: clinical testing. Allele origin: germline.
Comment: In summary, the available evidence is currently insufficient to determine the role of this variant in disease. Therefore, it has been classified as a Variant of Uncertain Significance. This sequence change replaces tyrosine, which is neutral and polar, with phenylalanine, which is neutral and non-polar, at codon 1793 of the SETX protein (p.Tyr1793Phe). This variant is not present in population databases (gnomAD no frequency). This variant has not been reported in the literature in individuals affected with SETX-related conditions. Advanced modeling of protein sequence and biophysical properties (such as structural, functional, and spatial information, amino acid conservation, physicochemical variation, residue mobility, and thermodynamic stability) performed at Invitae indicates that this missense variant is not expected to disrupt SETX protein function.

NM_015046.7(SETX):c.5378A>T (p.Tyr1793Phe)

Gene: SETX (senataxin; minus strand). Cytogenetic location: 9q34.13.
Variant type: single nucleotide variant.
Coding change: c.5378A>T on transcript NM_015046.7 (MANE Select); coding-DNA position 5378, A replaced by T.
Protein change: p.Tyr1793Phe; replaces tyrosine 1793 with phenylalanine.
Molecular consequence: missense variant.
Genome position (GRCh38, 1-based): chr9:132,300,800, T>A on the plus strand (A>T on the coding strand, the complement: SETX is on the minus strand). VCF-style: chr9-132300800-T-A. GRCh37 (hg19) VCF-style: chr9-135176187-T-A.
Other names: c.5378A>T, p.Tyr1793Phe (NM_001351527.2, NM_001351528.2); short protein forms Y1793F.
Identifiers: ClinVar variation 2950989 (VCV002950989.3), dbSNP rs934401196, ClinGen allele CA375348328.